The following is an entry in ClinVar:

NM_003611.3(OFD1):c.1464A>G (p.Lys488=)

Gene: OFD1 (OFD1 centriole and centriolar satellite protein; plus strand). Cytogenetic location: Xp22.2.
Variant type: single nucleotide variant.
Coding change: c.1464A>G on transcript NM_003611.3 (MANE Select); coding-DNA position 1464, A replaced by G.
Protein change: p.Lys488=; no amino-acid change (lysine 488 retained).
Molecular consequence: synonymous variant.
Genome position (GRCh38, 1-based): chrX:13,757,712, A>G. VCF-style: chrX-13757712-A-G. GRCh37 (hg19) VCF-style: chrX-13775831-A-G.
Other names: c.1344A>G, p.Lys448= (NM_001330209.2); c.1044A>G, p.Lys348= (NM_001330210.2).
Identifiers: ClinVar variation 1703162 (VCV001703162.3), dbSNP rs2518918574, ClinGen allele CA515465897.

ClinVar aggregate classification (germline): Uncertain significance (1 of 4 stars; one submission).

Allele frequency attached by ClinVar (database versions not stated): gnomAD exomes below 0.00001.
gnomAD v4.1: 1 of 1,211,043 alleles (0.000083%); highest among the groups gnomAD compares: African/African-American, 0.0017%; no homozygotes.

Submission:

Greenwood Genetic Center Diagnostic Laboratories, Greenwood Genetic Center
Classification: Uncertain significance. Last evaluated: 2022-04-04. Review status: criteria provided, single submitter. Criteria: ACMG Guidelines, 2015. Collection method: clinical testing. Allele origin: germline. Affected: yes.
Comment: PM2